The following is an entry in ClinVar:

ClinVar aggregate classification (germline): Uncertain significance (1 of 4 stars; one submission).

Conditions:
Long QT syndrome (LQTS). Identifiers: MedGen C0023976, MeSH D008133, MONDO:0002442. Disease mechanism: loss of function. Inheritance: Various modes of inheritance.

Submission:

Labcorp Genetics (formerly Invitae), Labcorp
Classification: Uncertain significance for Long QT syndrome. Last evaluated: 2024-12-19. Review status: criteria provided, single submitter. Criteria: Invitae Variant Classification Sherloc (09022015). Collection method: clinical testing. Allele origin: germline.
Comment: This sequence change replaces arginine, which is basic and polar, with cysteine, which is neutral and slightly polar, at codon 281 of the KCNH2 protein (p.Arg281Cys). This variant is not present in population databases (gnomAD no frequency). This variant has not been reported in the literature in individuals affected with KCNH2-related conditions. An algorithm developed to predict the effect of missense changes on protein structure and function (PolyPhen-2) suggests that this variant is likely to be disruptive. In summary, the available evidence is currently insufficient to determine the role of this variant in disease. Therefore, it has been classified as a Variant of Uncertain Significance.

NM_000238.4(KCNH2):c.841C>T (p.Arg281Cys)

Gene: KCNH2 (potassium voltage-gated channel subfamily H member 2; minus strand). Cytogenetic location: 7q36.1.
Variant type: single nucleotide variant.
Coding change: c.841C>T on transcript NM_000238.4 (MANE Select); coding-DNA position 841, C replaced by T.
Protein change: p.Arg281Cys; replaces arginine 281 with cysteine.
Molecular consequence: missense variant. On other transcripts: non-coding transcript variant (1).
Genome position (GRCh38, 1-based): chr7:150,958,134, G>A on the plus strand (C>T on the coding strand, the complement: KCNH2 is on the minus strand). VCF-style: chr7-150958134-G-A. GRCh37 (hg19) VCF-style: chr7-150655222-G-A.
Other names: c.553C>T, p.Arg185Cys (NM_001406753.1, NM_001406756.1); c.664C>T, p.Arg222Cys (NM_001406755.1); c.541C>T, p.Arg181Cys (NM_001406757.1); c.841C>T, p.Arg281Cys (NM_172056.3); short protein forms R181C, R281C, R185C, R222C.
Identifiers: ClinVar variation 3670229 (VCV003670229.2).